The following is an entry in ClinVar:

ClinVar aggregate classification (germline): Uncertain significance. Review status: criteria provided, multiple submitters, no conflicts (2 of 4 stars). 2 submissions from 2 submitters: Uncertain significance (2). Last evaluated 2023-11-28.

Conditions:
Familial hemiplegic migraine. Identifiers: MedGen C0338484, MONDO:0000700.
Migraine, familial hemiplegic, 2. Identifiers: Orphanet 569, MedGen C1865322, MONDO:0011232, OMIM 602481.

Allele frequency attached by ClinVar (database versions not stated): ExAC 0.00001; gnomAD exomes 0.00001 and 0.00002; TOPMed 0.00001.
gnomAD v4.1: 6 of 1,614,192 alleles (0.00037%); highest among the groups gnomAD compares: Middle Eastern, 0.016%; no homozygotes.

Submissions (2):

Labcorp Genetics (formerly Invitae), Labcorp
Classification: Uncertain significance for Familial hemiplegic migraine. Last evaluated: 2023-11-28. Review status: criteria provided, single submitter. Criteria: Invitae Variant Classification Sherloc (09022015). Collection method: clinical testing. Allele origin: germline.
Comment: This sequence change replaces serine, which is neutral and polar, with alanine, which is neutral and non-polar, at codon 516 of the ATP1A2 protein (p.Ser516Ala). This variant is present in population databases (rs778274408, gnomAD 0.004%). This variant has not been reported in the literature in individuals affected with ATP1A2-related conditions. ClinVar contains an entry for this variant (Variation ID: 1285545). Advanced modeling of protein sequence and biophysical properties (such as structural, functional, and spatial information, amino acid conservation, physicochemical variation, residue mobility, and thermodynamic stability) performed at Invitae indicates that this missense variant is not expected to disrupt ATP1A2 protein function with a negative predictive value of 80%. In summary, the available evidence is currently insufficient to determine the role of this variant in disease. Therefore, it has been classified as a Variant of Uncertain Significance.

Institute of Human Genetics, University of Leipzig Medical Center
Classification: Uncertain significance for Migraine, familial hemiplegic, 2. Last evaluated: 2021-03-09. Review status: criteria provided, single submitter. Criteria: ACMG Guidelines, 2015. Collection method: clinical testing. Allele origin: unknown. Affected: yes.

NM_000702.4(ATP1A2):c.1546T>G (p.Ser516Ala)

Gene: ATP1A2 (ATPase Na+/K+ transporting subunit alpha 2; plus strand). Cytogenetic location: 1q23.2.
Variant type: single nucleotide variant.
Coding change: c.1546T>G on transcript NM_000702.4 (MANE Select); coding-DNA position 1546, T replaced by G.
Protein change: p.Ser516Ala; replaces serine 516 with alanine.
Molecular consequence: missense variant.
Genome position (GRCh38, 1-based): chr1:160,130,186, T>G. VCF-style: chr1-160130186-T-G. GRCh37 (hg19) VCF-style: chr1-160099976-T-G.
Other names: short protein forms S516A.
Identifiers: ClinVar variation 1285545 (VCV001285545.7), dbSNP rs778274408, ClinGen allele CA1194518.